The following is an entry in ClinVar:

ClinVar aggregate classification (germline): Uncertain significance (1 of 4 stars; one submission).

Conditions:
Inborn genetic diseases. Identifiers: MedGen C0950123, MeSH D030342.

gnomAD v4.1: 12 of 1,613,970 alleles (0.00074%); highest among the groups gnomAD compares: Non-Finnish European, 0.001%; no homozygotes.

Submission:

Ambry Genetics
Classification: Uncertain significance for Inborn genetic diseases. Last evaluated: 2025-04-24. Review status: criteria provided, single submitter. Criteria: Ambry Variant Classification Scheme 2023. Collection method: clinical testing. Allele origin: germline.
Comment: The p.K720N variant (also known as c.2160A>T), located in coding exon 20 of the ANKRD26 gene, results from an A to T substitution at nucleotide position 2160. The lysine at codon 720 is replaced by asparagine, an amino acid with similar properties. This amino acid position is conserved. In addition, this alteration is predicted to be tolerated by in silico analysis. Based on the available evidence, the clinical significance of this variant remains unclear.

NM_014915.3(ANKRD26):c.2160A>T (p.Lys720Asn)

Gene: ANKRD26 (ankyrin repeat domain containing 26; minus strand). Cytogenetic location: 10p12.1.
Variant type: single nucleotide variant.
Coding change: c.2160A>T on transcript NM_014915.3 (MANE Select); coding-DNA position 2160, A replaced by T.
Protein change: p.Lys720Asn; replaces lysine 720 with asparagine.
Molecular consequence: missense variant.
Genome position (GRCh38, 1-based): chr10:27,043,427, T>A on the plus strand (A>T on the coding strand, the complement: ANKRD26 is on the minus strand). VCF-style: chr10-27043427-T-A. GRCh37 (hg19) VCF-style: chr10-27332356-T-A.
Other names: c.2157A>T, p.Lys719Asn (NM_001256053.2); short protein forms K719N, K720N.
Identifiers: ClinVar variation 3912209 (VCV003912209.1).